The following is an entry in ClinVar:

ClinVar aggregate classification (germline): Pathogenic/Likely pathogenic. Review status: criteria provided, multiple submitters, no conflicts (2 of 4 stars). 4 submissions from 4 submitters: Pathogenic (1); Likely pathogenic (2). 1 of the submissions does not count toward it. Last evaluated 2025-05-14.

Conditions:
NAA10-related syndrome. Identifiers: MedGen CN294784, MONDO:0100124.
Ogden syndrome (OGDNS). Also called: N-TERMINAL ACETYLTRANSFERASE DEFICIENCY. Identifiers: Orphanet 276432, MedGen C3275447, MONDO:0010457, OMIM 300855.
Intellectual disability. Also called: Intellectual functioning disability; intellectual disabilities; Intellectual developmental disorder. Identifiers: MedGen C3714756, MeSH D008607, MONDO:0001071, HP:0001249.

Submissions (4):

Clinical Genomic Analysis (GENYSIS) Core, University of North Carolina at Chapel Hill
Classification: Likely pathogenic for NAA10-related syndrome. Last evaluated: 2025-05-14. Review status: criteria provided, single submitter. Criteria: ACMG Guidelines, 2015. Collection method: research. Allele origin: de novo. Observed: 1 heterozygote. Study: UNC Genetic Determinants of Neurological and Developmental Disorders (GDNDD) Study.
Comment: NAA10 c.382T>A, p.(Phe128Ile), is a missense variant in exon 6 of 8 that changes a single highly conserved amino acid from a phenylalanine to an isoleucine in the encoded protein. This variant is absent from control individuals in the gnomADv4.1 population database, is predicted by in silico models to have a damaging effect on the protein, and has been reported as pathogenic/likely pathogenic in ClinVar. The c.382T>A variant has been seen in at least one other affected female with microcephaly, eye abnormalities, congenital blindness, delayed speech and language, hypoplasia of the corpus callosum, thoracic kyphosis, limb hypertonia, axial hypotonia, EEG with generalized slow activity, and dyskinesia (PMIDs 26757139, 39825153, 29095811). In addition, variants that result in a different amino acid change, p.Phe128Leu, have been reported as pathogenic in ClinVar and shown to result in significantly reduced NAA10 catalytic activity, supporting Phe128 as a critical amino acid (PMID: 27094817). Based on the available information, we consider the NAA10 c.382T>A, p.(Phe128Ile), variant to be likely pathogenic. ACMG codes: PS2 (confirmed de novo), PM2_Supporting (absent from gnomAD), PM5 (p.Phe128Leu is also pathogenic), PP3_Moderate (REVEL score between 0.773 and 0.932).

Institute of Human Genetics, FAU Erlangen, Friedrich-Alexander-Universität Erlangen-Nürnberg
Classification: Pathogenic for Ogden syndrome. Last evaluated: 2016-03-31. Review status: criteria provided, single submitter. Criteria: ACMG Guidelines, 2015. Collection method: clinical testing. Allele origin: de novo. Affected: yes.

Equipe Genetique des Anomalies du Developpement, Université de Bourgogne
Classification: Likely pathogenic for Intellectual disability. Last evaluated: 2014-01-01. Review status: criteria provided, single submitter. Criteria: ACMG Guidelines, 2007. Collection method: clinical testing. Allele origin: de novo. Affected: yes.

Solve-RD Consortium
Classification: Likely pathogenic for Ogden syndrome. Last evaluated: 2022-06-01. Review status: no assertion criteria provided. Collection method: provider interpretation. Allele origin: inherited. Affected: yes. Not counted in ClinVar's aggregate classification.
Comment: Variant confirmed as disease-causing by referring clinical team

Variant identified during reanalysis of unsolved cases by the Solve-RD project. The Solve-RD project has received funding from the European Union’s Horizon 2020 research and innovation programme under grant agreement No 779257.

Literature cited by the submitters: PubMed 26757139 (cited by Clinical Genomic Analysis (GENYSIS) Core, University of North Carolina at Chapel Hill); PubMed 39825153 (cited by Clinical Genomic Analysis (GENYSIS) Core, University of North Carolina at Chapel Hill and Solve-RD Consortium); PubMed 29095811 (cited by Clinical Genomic Analysis (GENYSIS) Core, University of North Carolina at Chapel Hill); PubMed 27094817 (cited by Clinical Genomic Analysis (GENYSIS) Core, University of North Carolina at Chapel Hill and Institute of Human Genetics, FAU Erlangen, Friedrich-Alexander-Universität Erlangen-Nürnberg).

NM_003491.4(NAA10):c.382T>A (p.Phe128Ile)

Gene: NAA10 (N-alpha-acetyltransferase 10, NatA catalytic subunit; minus strand). Cytogenetic location: Xq28.
Variant type: single nucleotide variant.
Coding change: c.382T>A on transcript NM_003491.4 (MANE Select); coding-DNA position 382, T replaced by A.
Protein change: p.Phe128Ile; replaces phenylalanine 128 with isoleucine.
Molecular consequence: missense variant. On other transcripts: intron variant (1).
Genome position (GRCh38, 1-based): chrX:153,932,075, A>T on the plus strand (T>A on the coding strand, the complement: NAA10 is on the minus strand). VCF-style: chrX-153932075-A-T. GRCh37 (hg19) VCF-style: chrX-153197528-A-T.
Other names: c.364T>A, p.Phe122Ile (NM_001256120.2); c.341+241T>A (NM_001256119.2); short protein forms F128I, F122I.
Identifiers: ClinVar variation 236259 (VCV000236259.5), dbSNP rs878853264, ClinGen allele CA10581583.